The following is an entry in ClinVar:

NM_002838.5(PTPRC):c.2585C>G (p.Thr862Ser)

Gene: PTPRC (protein tyrosine phosphatase receptor type C; plus strand). Cytogenetic location: 1q32.1.
Variant type: single nucleotide variant.
Coding change: c.2585C>G on transcript NM_002838.5 (MANE Select); coding-DNA position 2585, C replaced by G.
Protein change: p.Thr862Ser; replaces threonine 862 with serine.
Molecular consequence: missense variant.
Genome position (GRCh38, 1-based): chr1:198,742,255, C>G. VCF-style: chr1-198742255-C-G. GRCh37 (hg19) VCF-style: chr1-198711384-C-G.
Other names: c.2579C>G (NM_002838.3); c.2102C>G, p.Thr701Ser (NM_080921.4); short protein forms T701S, T862S.
Identifiers: ClinVar variation 1360991 (VCV001360991.6), dbSNP rs779274312, ClinGen allele CA1315186.

ClinVar aggregate classification (germline): Uncertain significance. Review status: criteria provided, multiple submitters, no conflicts (2 of 4 stars). 2 submissions from 2 submitters: Uncertain significance (2). Last evaluated 2025-08-20.

Conditions:
Inborn genetic diseases. Identifiers: MedGen C0950123, MeSH D030342.
Immunodeficiency 104. Also called: Severe combined immunodeficiency, autosomal recessive, T cell-negative, B cell-positive, NK cell-positive; IMMUNODEFICIENCY 104, SEVERE COMBINED; SCID, AUTOSOMAL RECESSIVE, T CELL-NEGATIVE, B CELL-POSITIVE, NK CELL-POSITIVE; Severe Combined Immune Deficiency, Autosomal Recessive, TCell -Negative, B Cell-Positive, NK Cell-Positive, IL7R-Related. Identifiers: MedGen C5676890, MONDO:0012163, OMIM 608971.

Allele frequency attached by ClinVar (database versions not stated): TOPMed below 0.00001; gnomAD 0.00001; gnomAD exomes 0.00001; ExAC 0.00002.
gnomAD v4.1: 4 of 1,612,052 alleles (0.00025%); highest among the groups gnomAD compares: Admixed American, 0.005%; no homozygotes.

Submissions (2):

Ambry Genetics
Classification: Uncertain significance for Inborn genetic diseases. Last evaluated: 2025-08-20. Review status: criteria provided, single submitter. Criteria: Ambry Variant Classification Scheme 2023. Collection method: clinical testing. Allele origin: germline.

Labcorp Genetics (formerly Invitae), Labcorp
Classification: Uncertain significance for Immunodeficiency 104. Last evaluated: 2022-08-10. Review status: criteria provided, single submitter. Criteria: Invitae Variant Classification Sherloc (09022015). Collection method: clinical testing. Allele origin: germline.
Comment: This sequence change replaces threonine, which is neutral and polar, with serine, which is neutral and polar, at codon 862 of the PTPRC protein (p.Thr862Ser). This variant is present in population databases (rs779274312, gnomAD 0.009%). This variant has not been reported in the literature in individuals affected with PTPRC-related conditions. ClinVar contains an entry for this variant (Variation ID: 1360991). Algorithms developed to predict the effect of missense changes on protein structure and function (SIFT, PolyPhen-2, Align-GVGD) all suggest that this variant is likely to be disruptive. In summary, the available evidence is currently insufficient to determine the role of this variant in disease. Therefore, it has been classified as a Variant of Uncertain Significance.